The following is an entry in ClinVar:

NM_001101362.3(KBTBD13):c.40G>A (p.Gly14Ser)

Gene: KBTBD13 (kelch repeat and BTB domain containing 13; plus strand). Cytogenetic location: 15q22.31.
Variant type: single nucleotide variant.
Coding change: c.40G>A on transcript NM_001101362.3 (MANE Select); coding-DNA position 40, G replaced by A.
Protein change: p.Gly14Ser; replaces glycine 14 with serine.
Molecular consequence: missense variant.
Genome position (GRCh38, 1-based): chr15:65,076,855, G>A. VCF-style: chr15-65076855-G-A. GRCh37 (hg19) VCF-style: chr15-65369193-G-A.
Other names: short protein forms G14S.
Identifiers: ClinVar variation 2853036 (VCV002853036.3), dbSNP rs745399244, ClinGen allele CA392855724.

ClinVar aggregate classification (germline): Uncertain significance (1 of 4 stars; one submission).

Conditions:
Nemaline myopathy 6 (NEM6). Also called: Nemaline myopathy 6, autosomal dominant. Identifiers: Orphanet 171439, MedGen C1836472, MONDO:0012237, OMIM 609273.

Allele frequency attached by ClinVar (database versions not stated): 1000 Genomes Project 30x 0.00016.

Submission:

Labcorp Genetics (formerly Invitae), Labcorp
Classification: Uncertain significance for Nemaline myopathy 6. Last evaluated: 2023-07-18. Review status: criteria provided, single submitter. Criteria: Invitae Variant Classification Sherloc (09022015). Collection method: clinical testing. Allele origin: germline.
Comment: In summary, the available evidence is currently insufficient to determine the role of this variant in disease. Therefore, it has been classified as a Variant of Uncertain Significance. Advanced modeling of protein sequence and biophysical properties (such as structural, functional, and spatial information, amino acid conservation, physicochemical variation, residue mobility, and thermodynamic stability) performed at Invitae indicates that this missense variant is not expected to disrupt KBTBD13 protein function. This variant has not been reported in the literature in individuals affected with KBTBD13-related conditions. This variant is not present in population databases (gnomAD no frequency). This sequence change replaces glycine, which is neutral and non-polar, with serine, which is neutral and polar, at codon 14 of the KBTBD13 protein (p.Gly14Ser).